The following is an entry in ClinVar:

ClinVar aggregate classification (germline): Conflicting classifications of pathogenicity. Review status: criteria provided, conflicting classifications (1 of 4 stars). 2 submissions from 2 submitters: Uncertain significance (1); Likely benign (1). Last evaluated 2025-10-24.

Conditions:
Rubinstein-Taybi syndrome (RSTS). Identifiers: Orphanet 783, MedGen C0035934, MONDO:0019188.
CREBBP-related disorder. Also called: CREBBP-related condition; CREBBP-related disorders.

gnomAD v4.1: 31 of 1,612,126 alleles (0.0019%); highest among the groups gnomAD compares: Non-Finnish European, 0.0021%; no homozygotes.

Submissions (2):

Labcorp Genetics (formerly Invitae), Labcorp
Classification: Likely benign for Rubinstein-Taybi syndrome. Last evaluated: 2025-10-24. Review status: criteria provided, single submitter. Criteria: Invitae Variant Classification Sherloc (09022015). Collection method: clinical testing. Allele origin: germline.

PreventionGenetics, part of Exact Sciences
Classification: Uncertain significance for CREBBP-related condition. Last evaluated: 2025-09-17. Review status: criteria provided, single submitter. Criteria: ACMG Guidelines, 2015. Collection method: clinical testing. Allele origin: germline.
Comment: The CREBBP c.7138A>T variant is predicted to result in the amino acid substitution p.Thr2380Ser. To our knowledge, this variant has not been reported in the literature. This variant is reported in 0.00088% of alleles in individuals of European (Non-Finnish) descent in gnomAD. At this time, the clinical significance of this variant is uncertain due to the absence of conclusive functional and genetic evidence.

NM_004380.3(CREBBP):c.7138A>T (p.Thr2380Ser)

Gene: CREBBP (CREB binding lysine acetyltransferase; minus strand). Cytogenetic location: 16p13.3.
Variant type: single nucleotide variant.
Coding change: c.7138A>T on transcript NM_004380.3 (MANE Select); coding-DNA position 7138, A replaced by T.
Protein change: p.Thr2380Ser; replaces threonine 2380 with serine.
Molecular consequence: missense variant.
Genome position (GRCh38, 1-based): chr16:3,727,909, T>A on the plus strand (A>T on the coding strand, the complement: CREBBP is on the minus strand). VCF-style: chr16-3727909-T-A. GRCh37 (hg19) VCF-style: chr16-3777910-T-A.
Other names: c.7024A>T, p.Thr2342Ser (NM_001079846.1); c.7138A>T (NM_004380.2); short protein forms T2342S, T2380S.
Identifiers: ClinVar variation 4736904 (VCV004736904.2).
Genomic context (GRCh38, chr16:3,727,909, plus strand): 5'-AGTGTCCCTGATCTATGGAGCTGGCCATGGTGACTGCGAGTCCGGGGTGGGGGGAACCAG[T>A]CTGGGGTGAGACGTGGTGTGGCGAAGGCTGGGGCTGTATCCGTGGTGACGGGCTGGAATG-3'
Protein context (NP_004371.2, residues 2370-2390): QPSPHHVSPQ[Thr2380Ser]GSPHPGLAVT